The following is an entry in ClinVar:

ClinVar aggregate classification (germline): Uncertain significance (1 of 4 stars; one submission).

Conditions:
Hereditary breast ovarian cancer syndrome. Also called: Hereditary breast and ovarian cancer syndrome (HBOC); Breast and ovarian cancer; Hereditary breast and ovarian cancer syndrome; Hereditary breast and/or ovarian cancer syndrome; Hereditary breast and ovarian cancer; BRCA1- and BRCA2-Associated Hereditary Breast and Ovarian Cancer. Identifiers: Orphanet 145, MedGen C0677776, MeSH D061325, MONDO:0003582. Disease mechanism: loss of function.

Submission:

Labcorp Genetics (formerly Invitae), Labcorp
Classification: Uncertain significance for Hereditary breast ovarian cancer syndrome. Last evaluated: 2021-08-27. Review status: criteria provided, single submitter. Criteria: Invitae Variant Classification Sherloc (09022015). Collection method: clinical testing. Allele origin: germline.
Comment: This variant is not present in population databases (ExAC no frequency). This sequence change replaces aspartic acid with tyrosine at codon 2900 of the BRCA2 protein (p.Asp2900Tyr). The aspartic acid residue is highly conserved and there is a large physicochemical difference between aspartic acid and tyrosine. This variant has not been reported in the literature in individuals affected with BRCA2-related conditions. In summary, the available evidence is currently insufficient to determine the role of this variant in disease. Therefore, it has been classified as a Variant of Uncertain Significance. Advanced modeling of protein sequence and biophysical properties (such as structural, functional, and spatial information, amino acid conservation, physicochemical variation, residue mobility, and thermodynamic stability) performed at Invitae indicates that this missense variant is not expected to disrupt BRCA2 protein function.

NM_000059.4(BRCA2):c.8698G>T (p.Asp2900Tyr)

Gene: BRCA2 (BRCA2 DNA repair associated; plus strand). Cytogenetic location: 13q13.1.
Variant type: single nucleotide variant.
Coding change: c.8698G>T on transcript NM_000059.4 (MANE Select); coding-DNA position 8698, G replaced by T.
Protein change: p.Asp2900Tyr; replaces aspartic acid 2900 with tyrosine.
Molecular consequence: missense variant.
Genome position (GRCh38, 1-based): chr13:32,376,735, G>T. VCF-style: chr13-32376735-G-T. GRCh37 (hg19) VCF-style: chr13-32950872-G-T.
Other names: short protein forms D2900Y.
Identifiers: ClinVar variation 1410376 (VCV001410376.6), dbSNP rs2137612969, ClinGen allele CA387754847.